The following is an entry in ClinVar:

ClinVar aggregate classification (germline): Uncertain significance. Review status: criteria provided, multiple submitters, no conflicts (2 of 4 stars). 3 submissions from 3 submitters: Uncertain significance (3). Last evaluated 2024-12-12.

Conditions:
Autosomal recessive congenital ichthyosis (ARCI). Identifiers: Orphanet 281097, MedGen C1274215, MONDO:0017265.
Immunodeficiency 60. Also called: IMMUNODEFICIENCY 60 AND AUTOIMMUNITY; IMMUNODEFICIENCY AND AUTOIMMUNITY, BACH2-RELATED. Identifiers: MedGen C5193072, MONDO:0032723, OMIM 618394.

Allele frequency attached by ClinVar (database versions not stated): gnomAD exomes below 0.00001; ExAC 0.00001.
gnomAD v4.1: 6 of 1,614,184 alleles (0.00037%); highest among the groups gnomAD compares: South Asian, 0.0033%; no homozygotes.

Submissions (3):

Revvity Omics, Revvity
Classification: Uncertain significance for Immunodeficiency 60. Last evaluated: 2024-12-12. Review status: criteria provided, single submitter. Criteria: ACMG Guidelines, 2015. Collection method: clinical testing. Allele origin: germline.

Labcorp Genetics (formerly Invitae), Labcorp
Classification: Uncertain significance. Last evaluated: 2021-08-19. Review status: criteria provided, single submitter. Criteria: Invitae Variant Classification Sherloc (09022015). Collection method: clinical testing. Allele origin: germline.
Comment: This variant is present in population databases (rs779790057, ExAC 0.006%). In summary, the available evidence is currently insufficient to determine the role of this variant in disease. Therefore, it has been classified as a Variant of Uncertain Significance. Algorithms developed to predict the effect of missense changes on protein structure and function are either unavailable or do not agree on the potential impact of this missense change (SIFT: "Tolerated"; PolyPhen-2: "Probably Damaging"; Align-GVGD: "Class C0"). This variant has not been reported in the literature in individuals affected with BACH2-related conditions. This sequence change replaces aspartic acid with asparagine at codon 34 of the BACH2 protein (p.Asp34Asn). The aspartic acid residue is highly conserved and there is a small physicochemical difference between aspartic acid and asparagine.

Cambridge Genomics Laboratory, East Genomic Laboratory Hub, NHS Genomic Medicine Service
Classification: Uncertain significance for Autosomal recessive congenital ichthyosis. Last evaluated: 2020-07-13. Review status: criteria provided, single submitter. Criteria: ACGS Best Practice Guidelines for Variant Classification in Rare Disease 2020. Collection method: clinical testing. Allele origin: germline. Affected: yes. Observed: 1 variant allele.

NM_021813.4(BACH2):c.100G>A (p.Asp34Asn)

Gene: BACH2 (BACH transcriptional regulator 2; minus strand). Cytogenetic location: 6q15.
Variant type: single nucleotide variant.
Coding change: c.100G>A on transcript NM_021813.4 (MANE Select); coding-DNA position 100, G replaced by A.
Protein change: p.Asp34Asn; replaces aspartic acid 34 with asparagine.
Molecular consequence: missense variant.
Genome position (GRCh38, 1-based): chr6:90,008,745, C>T on the plus strand (G>A on the coding strand, the complement: BACH2 is on the minus strand). VCF-style: chr6-90008745-C-T. GRCh37 (hg19) VCF-style: chr6-90718464-C-T.
Other names: c.100G>A, p.Asp34Asn (NM_001170794.2); short protein forms D34N.
Identifiers: ClinVar variation 1486418 (VCV001486418.8), dbSNP rs779790057, ClinGen allele CA3928231.
Genomic context (GRCh38, chr6:90,008,745, plus strand): 5'-CAGCCCGGTGGGCCCGGAACTCCTTCCTCTCCACGATCAAAGTCACGTCACAGAGAATAT[C>T]CTTTTTCCGCTGGTCATTGAGGCCCAGGAGGATGTTGGTGCAGTGGACTGTGGACTCATA-3'
Protein context (NP_068585.1, residues 24-44): LLGLNDQRKK[Asp34Asn]ILCDVTLIVE